The following is an entry in ClinVar:

ClinVar aggregate classification (germline): Uncertain significance (1 of 4 stars; one submission).

Submission:

GeneDx
Classification: Uncertain significance. Last evaluated: 2024-12-19. Review status: criteria provided, single submitter. Criteria: GeneDx Variant Classification Process June 2021. Collection method: clinical testing. Allele origin: germline. Affected: yes.
Comment: Not observed at significant frequency in large population cohorts (gnomAD); In silico analysis supports that this missense variant has a deleterious effect on protein structure/function; Has not been previously published as pathogenic or benign to our knowledge

NM_001128840.3(CACNA1D):c.4609C>A (p.Pro1537Thr)

Gene: CACNA1D (calcium voltage-gated channel subunit alpha1 D; plus strand). Cytogenetic location: 3p21.1.
Variant type: single nucleotide variant.
Coding change: c.4609C>A on transcript NM_001128840.3 (MANE Select); coding-DNA position 4609, C replaced by A.
Protein change: p.Pro1537Thr; replaces proline 1537 with threonine.
Molecular consequence: missense variant.
Genome position (GRCh38, 1-based): chr3:53,780,047, C>A. VCF-style: chr3-53780047-C-A. GRCh37 (hg19) VCF-style: chr3-53814074-C-A.
Other names: c.4669C>A, p.Pro1557Thr (NM_000720.4); c.4564C>A, p.Pro1522Thr (NM_001128839.3); short protein forms P1522T, P1537T, P1557T.
Identifiers: ClinVar variation 3906317 (VCV003906317.1).